The following is an entry in ClinVar:

NM_001134831.2(AHI1):c.1724A>T (p.Glu575Val)

Gene: AHI1 (Abelson helper integration site 1; minus strand). Cytogenetic location: 6q23.3.
Variant type: single nucleotide variant.
Coding change: c.1724A>T on transcript NM_001134831.2 (MANE Select); coding-DNA position 1724, A replaced by T.
Protein change: p.Glu575Val; replaces glutamic acid 575 with valine.
Molecular consequence: missense variant.
Genome position (GRCh38, 1-based): chr6:135,447,063, T>A on the plus strand (A>T on the coding strand, the complement: AHI1 is on the minus strand). VCF-style: chr6-135447063-T-A. GRCh37 (hg19) VCF-style: chr6-135768201-T-A.
Other names: c.1724A>T, p.Glu575Val (NM_001134830.2, NM_001134832.2, NM_001350503.2 and 2 more transcripts); short protein forms E575V.
Identifiers: ClinVar variation 2054737 (VCV002054737.4), dbSNP rs2484768431, ClinGen allele CA365744822.

ClinVar aggregate classification (germline): Uncertain significance (1 of 4 stars; one submission).

Conditions:
Joubert syndrome. Also called: CEREBELLOPARENCHYMAL DISORDER IV; JOUBERT-BOLTSHAUSER SYNDROME; Familial aplasia of the vermis. Identifiers: Orphanet 475, MedGen C5979921, MONDO:0018772.

Submission:

Labcorp Genetics (formerly Invitae), Labcorp
Classification: Uncertain significance for Joubert syndrome. Last evaluated: 2024-02-24. Review status: criteria provided, single submitter. Criteria: Invitae Variant Classification Sherloc (09022015). Collection method: clinical testing. Allele origin: germline.
Comment: This sequence change replaces glutamic acid, which is acidic and polar, with valine, which is neutral and non-polar, at codon 575 of the AHI1 protein (p.Glu575Val). This variant is not present in population databases (gnomAD no frequency). This variant has not been reported in the literature in individuals affected with AHI1-related conditions. ClinVar contains an entry for this variant (Variation ID: 2054737). Advanced modeling of protein sequence and biophysical properties (such as structural, functional, and spatial information, amino acid conservation, physicochemical variation, residue mobility, and thermodynamic stability) performed at Invitae indicates that this missense variant is not expected to disrupt AHI1 protein function with a negative predictive value of 95%. In summary, the available evidence is currently insufficient to determine the role of this variant in disease. Therefore, it has been classified as a Variant of Uncertain Significance.